The following is an entry in ClinVar:

ClinVar aggregate classification (germline): Likely benign. Review status: criteria provided, multiple submitters, no conflicts (2 of 4 stars). 2 submissions from 2 submitters: Likely benign (2). Last evaluated 2024-07-01.

Conditions:
Inborn genetic diseases. Identifiers: MedGen C0950123, MeSH D030342.

Allele frequency attached by ClinVar (database versions not stated): ESP Exome Variant Server 0.00009.
gnomAD v4.1: 78 of 1,609,340 alleles (0.0048%); highest among the groups gnomAD compares: Non-Finnish European, 0.0063%; no homozygotes.

Submissions (2):

CeGaT Center for Human Genetics Tuebingen
Classification: Likely benign. Last evaluated: 2024-07-01. Review status: criteria provided, single submitter. Criteria: CeGaT Center For Human Genetics Tuebingen Variant Classification Criteria Version 2. Collection method: clinical testing. Allele origin: germline. Affected: yes. Observed: 1 variant allele.
Comment: TRIO: BS1

Ambry Genetics
Classification: Likely benign for Inborn genetic diseases. Last evaluated: 2021-06-18. Review status: criteria provided, single submitter. Criteria: Ambry Variant Classification Scheme 2023. Collection method: clinical testing. Allele origin: germline.

NM_007118.4(TRIO):c.7487G>T (p.Arg2496Leu)

Gene: TRIO (trio Rho guanine nucleotide exchange factor; plus strand). Cytogenetic location: 5p15.2.
Variant type: single nucleotide variant.
Coding change: c.7487G>T on transcript NM_007118.4 (MANE Select); coding-DNA position 7487, G replaced by T.
Protein change: p.Arg2496Leu; replaces arginine 2496 with leucine.
Molecular consequence: missense variant.
Genome position (GRCh38, 1-based): chr5:14,488,115, G>T. VCF-style: chr5-14488115-G-T. GRCh37 (hg19) VCF-style: chr5-14488224-G-T.
Other names: short protein forms R2496L.
Identifiers: ClinVar variation 2217618 (VCV002217618.19), dbSNP rs375694147, ClinGen allele CA3207455.
Genomic context (GRCh38, chr5:14,488,115, plus strand): 5'-GCAGCCCCCTGCAGAAGGGGGGCTCCTTCTGGAGCTCCATCCCCGCCTCCCCCGCCAGCC[G>T]ACCCGGCTCCTTCACCTTCCCGGGGGACAGCGACTCCCTCCAGCGGCAGACACCCCGCCA-3'
Protein context (NP_009049.2, residues 2486-2506): WSSIPASPAS[Arg2496Leu]PGSFTFPGDS